The following is an entry in ClinVar:

ClinVar aggregate classification (germline): Pathogenic. Review status: criteria provided, multiple submitters, no conflicts (2 of 4 stars). 2 submissions from 2 submitters: Pathogenic (2). Last evaluated 2022-01-28.

Conditions:
Breast-ovarian cancer, familial, susceptibility to, 2 (BROVCA2). Also called: BRCA2 Hereditary Breast and Ovarian Cancer. Identifiers: Orphanet 145, MedGen C2675520, MONDO:0012933, OMIM 612555. Disease mechanism: loss of function.
Hereditary cancer-predisposing syndrome. Also called: Hereditary neoplastic syndrome; Neoplastic Syndromes, Hereditary; Tumor predisposition; Hereditary Cancer Syndrome. Identifiers: Orphanet 140162, MedGen C0027672, MeSH D009386, MONDO:0015356.

Submissions (2):

Ambry Genetics
Classification: Pathogenic for Hereditary cancer-predisposing syndrome. Last evaluated: 2022-01-28. Review status: criteria provided, single submitter. Criteria: Ambry Variant Classification Scheme 2023. Collection method: clinical testing. Allele origin: germline.
Comment: The c.8953+2T>G intronic pathogenic mutation results from a T to G substitution two nucleotides after coding exon 21 in the BRCA2 gene. This variant demonstrated exon skipping in an RNA splicing study using lymphoblastoid cell lines with puromycin (Houdayer C et al. Hum Mutat, 2012 Aug;33:1228-38). This variant was also identified in a large, worldwide study of BRCA1/2 mutation positive families (Rebbeck TR et al. Hum Mutat, 2018 05;39:593-620). This nucleotide position is highly conserved in available vertebrate species. In silico splice site analysis predicts that this alteration will weaken the native splice donor site and will result in the creation or strengthening of a novel splice donor site. Based on the supporting evidence, this alteration is interpreted as a disease-causing mutation.

Consortium of Investigators of Modifiers of BRCA1/2 (CIMBA), c/o University of Cambridge
Classification: Pathogenic for Breast-ovarian cancer, familial, susceptibility to, 2. Last evaluated: 2015-10-02. Review status: criteria provided, single submitter. Criteria: CIMBA Mutation Classification guidelines May 2016. Collection method: clinical testing. Allele origin: germline.

Literature cited by the submitters: PubMed 22505045 (cited by Ambry Genetics); PubMed 29446198 (cited by Ambry Genetics).

NM_000059.4(BRCA2):c.8953+2T>G

Gene: BRCA2 (BRCA2 DNA repair associated; plus strand). Cytogenetic location: 13q13.1.
Variant type: single nucleotide variant.
Coding change: c.8953+2T>G on transcript NM_000059.4 (MANE Select); the canonical splice donor site of the intron after coding-DNA position 8953, T replaced by G.
Molecular consequence: splice donor variant.
Genome position (GRCh38, 1-based): chr13:32,379,517, T>G. VCF-style: chr13-32379517-T-G. GRCh37 (hg19) VCF-style: chr13-32953654-T-G.
Other names: c.8953+2T>G (NM_001406720.1); c.8857+2T>G (NM_001406719.1); c.4021+2T>G (NM_001406721.1); c.2536+2T>G (NM_001406722.1).
Identifiers: ClinVar variation 267709 (VCV000267709.7), dbSNP rs886040947, ClinGen allele CA10602553.
Genomic context (GRCh38, chr13:32,379,517, plus strand): 5'-TGTCACAACCGTGTGGAAGTTGCGTATTGTAAGCTATTCAAAAAAAGAAAAAGATTCAGG[T>G]AAGTATGTAAATGCTTTGTTTTTATCAGTTTTATTAACTTAAAAAATGACCTTACTAACA-3'